The following is an entry in ClinVar:

ClinVar aggregate classification (germline): Uncertain significance. Review status: criteria provided, multiple submitters, no conflicts (2 of 4 stars). 2 submissions from 2 submitters: Uncertain significance (2). Last evaluated 2025-06-30.

Conditions:
Charcot-Marie-Tooth disease type 4. Also called: Charcot-Marie-Tooth disease, type IV; Charcot-Marie-Tooth, Type 4. Identifiers: Orphanet 64749, MedGen C4082197, MONDO:0018995.
Inborn genetic diseases. Identifiers: MedGen C0950123, MeSH D030342.

Allele frequency attached by ClinVar (database versions not stated): gnomAD exomes 0.00001; gnomAD 0.00003; TOPMed 0.00004.

Submissions (2):

Ambry Genetics
Classification: Uncertain significance for Inborn genetic diseases. Last evaluated: 2025-06-30. Review status: criteria provided, single submitter. Criteria: Ambry Variant Classification Scheme 2023. Collection method: clinical testing. Allele origin: germline.

Labcorp Genetics (formerly Invitae), Labcorp
Classification: Uncertain significance for Charcot-Marie-Tooth disease type 4. Last evaluated: 2022-09-29. Review status: criteria provided, single submitter. Criteria: Invitae Variant Classification Sherloc (09022015). Collection method: clinical testing. Allele origin: germline.
Comment: This sequence change replaces methionine, which is neutral and non-polar, with leucine, which is neutral and non-polar, at codon 1213 of the PRX protein (p.Met1213Leu). This variant is present in population databases (no rsID available, gnomAD 0.01%). This variant has not been reported in the literature in individuals affected with PRX-related conditions. Advanced modeling of protein sequence and biophysical properties (such as structural, functional, and spatial information, amino acid conservation, physicochemical variation, residue mobility, and thermodynamic stability) performed at Invitae indicates that this missense variant is not expected to disrupt PRX protein function. In summary, the available evidence is currently insufficient to determine the role of this variant in disease. Therefore, it has been classified as a Variant of Uncertain Significance.

NM_181882.3(PRX):c.3637A>T (p.Met1213Leu)

Gene: PRX (periaxin; minus strand). Cytogenetic location: 19q13.2.
Variant type: single nucleotide variant.
Coding change: c.3637A>T on transcript NM_181882.3 (MANE Select); coding-DNA position 3637, A replaced by T.
Protein change: p.Met1213Leu; replaces methionine 1213 with leucine.
Molecular consequence: missense variant. On other transcripts: 3 prime UTR variant (1).
Genome position (GRCh38, 1-based): chr19:40,394,715, T>A on the plus strand (A>T on the coding strand, the complement: PRX is on the minus strand). VCF-style: chr19-40394715-T-A. GRCh37 (hg19) VCF-style: chr19-40900622-T-A.
Other names: c.3922A>T, p.Met1308Leu (NM_001411127.1); c.*3842A>T (NM_020956.2); short protein forms M1213L, M1308L.
Identifiers: ClinVar variation 2081249 (VCV002081249.2), dbSNP rs1381220914, ClinGen allele CA405892923.